The following is an entry in ClinVar:

ClinVar aggregate classification (germline): Uncertain significance (1 of 4 stars; one submission).

Conditions:
Cohen syndrome (COH1). Also called: PEPPER SYNDROME; Cutis verticis gyrata, retinitis pigmentosa, and sensorineural deafness. Identifiers: Orphanet 193, MedGen C0265223, MONDO:0008999, OMIM 216550.

Allele frequency attached by ClinVar (database versions not stated): gnomAD exomes below 0.00001; TOPMed below 0.00001; gnomAD 0.00001.
gnomAD v4.1: 5 of 1,613,778 alleles (0.00031%); highest among the groups gnomAD compares: Non-Finnish European, 0.00042%; no homozygotes.

Submission:

Labcorp Genetics (formerly Invitae), Labcorp
Classification: Uncertain significance for Cohen syndrome. Last evaluated: 2023-07-17. Review status: criteria provided, single submitter. Criteria: Invitae Variant Classification Sherloc (09022015). Collection method: clinical testing. Allele origin: germline.
Comment: This sequence change replaces isoleucine, which is neutral and non-polar, with valine, which is neutral and non-polar, at codon 2932 of the VPS13B protein (p.Ile2932Val). This variant is present in population databases (no rsID available, gnomAD 0.002%). This variant has not been reported in the literature in individuals affected with VPS13B-related conditions. ClinVar contains an entry for this variant (Variation ID: 1005055). Advanced modeling of protein sequence and biophysical properties (such as structural, functional, and spatial information, amino acid conservation, physicochemical variation, residue mobility, and thermodynamic stability) performed at Invitae indicates that this missense variant is not expected to disrupt VPS13B protein function. In summary, the available evidence is currently insufficient to determine the role of this variant in disease. Therefore, it has been classified as a Variant of Uncertain Significance.

NM_152564.5(VPS13B):c.8719A>G (p.Ile2907Val)

Gene: VPS13B (vacuolar protein sorting 13 homolog B; plus strand). Cytogenetic location: 8q22.2.
Variant type: single nucleotide variant.
Coding change: c.8719A>G on transcript NM_152564.5 (MANE Select); coding-DNA position 8719, A replaced by G.
Protein change: p.Ile2907Val; replaces isoleucine 2907 with valine.
Molecular consequence: missense variant.
Genome position (GRCh38, 1-based): chr8:99,819,509, A>G. VCF-style: chr8-99819509-A-G. GRCh37 (hg19) VCF-style: chr8-100831737-A-G.
Other names: c.8794A>G, p.Ile2932Val (NM_017890.5); short protein forms I2907V, I2932V.
Identifiers: ClinVar variation 1005055 (VCV001005055.5), dbSNP rs1462824433, ClinGen allele CA371776409.
Genomic context (GRCh38, chr8:99,819,509, plus strand): 5'-TCAACATCCCTCATTAAGCAAATAGCCACTAAGGTACACCCTGGAGGCACAGTTAATCAG[A>G]TCCTTGACGAATTCTATGGGCCAGAAAAGTCGCTTCAACCCATATGGCCCTATAATAAGA-3'
Protein context (NP_689777.3, residues 2897-2917): KVHPGGTVNQ[Ile2907Val]LDEFYGPEKS